The following is an entry in ClinVar:

ClinVar aggregate classification (germline): Uncertain significance. Review status: criteria provided, single submitter (1 of 4 stars). 2 submissions from 2 submitters: Uncertain significance (1). 1 of the submissions does not count toward it. Last evaluated 2025-01-01.

Conditions:
KDM3B-related disorder. Also called: KDM3B-related condition.

Submissions (2):

CeGaT Center for Human Genetics Tuebingen
Classification: Uncertain significance. Last evaluated: 2025-01-01. Review status: criteria provided, single submitter. Criteria: CeGaT Center For Human Genetics Tuebingen Variant Classification Criteria Version 2. Collection method: clinical testing. Allele origin: germline. Affected: yes. Observed: 1 variant allele.
Comment: KDM3B: PM2

PreventionGenetics, part of Exact Sciences
Classification: Uncertain significance for KDM3B-related condition. Last evaluated: 2024-08-22. Review status: no assertion criteria provided. Collection method: clinical testing. Allele origin: germline. Not counted in ClinVar's aggregate classification.
Comment: The KDM3B c.2387G>T variant is predicted to result in the amino acid substitution p.Arg796Met. To our knowledge, this variant has not been reported in the literature or in a large population database, indicating this variant is rare. At this time, the clinical significance of this variant is uncertain due to the absence of conclusive functional and genetic evidence.

NM_016604.4(KDM3B):c.2387G>T (p.Arg796Met)

Gene: KDM3B (lysine demethylase 3B; plus strand). Cytogenetic location: 5q31.2.
Variant type: single nucleotide variant.
Coding change: c.2387G>T on transcript NM_016604.4 (MANE Select); coding-DNA position 2387, G replaced by T.
Protein change: p.Arg796Met; replaces arginine 796 with methionine.
Molecular consequence: missense variant.
Genome position (GRCh38, 1-based): chr5:138,392,019, G>T. VCF-style: chr5-138392019-G-T. GRCh37 (hg19) VCF-style: chr5-137727708-G-T.
Other names: short protein forms R796M.
Identifiers: ClinVar variation 3355060 (VCV003355060.14).